The following is an entry in ClinVar:

ClinVar aggregate classification (germline): Uncertain significance (1 of 4 stars; one submission).

Allele frequency attached by ClinVar (database versions not stated): ExAC 0.00001; gnomAD exomes 0.00001.

Submission:

Labcorp Genetics (formerly Invitae), Labcorp
Classification: Uncertain significance. Last evaluated: 2022-03-12. Review status: criteria provided, single submitter. Criteria: Invitae Variant Classification Sherloc (09022015). Collection method: clinical testing. Allele origin: germline.
Comment: Algorithms developed to predict the effect of missense changes on protein structure and function (SIFT, PolyPhen-2, Align-GVGD) all suggest that this variant is likely to be disruptive. In summary, the available evidence is currently insufficient to determine the role of this variant in disease. Therefore, it has been classified as a Variant of Uncertain Significance. This variant has not been reported in the literature in individuals affected with NDUFS8-related conditions. The frequency data for this variant in the population databases is considered unreliable, as metrics indicate poor data quality at this position in the gnomAD database. This sequence change replaces glutamine, which is neutral and polar, with arginine, which is basic and polar, at codon 124 of the NDUFS8 protein (p.Gln124Arg).

NM_002496.4(NDUFS8):c.371A>G (p.Gln124Arg)

Gene: NDUFS8 (NADH:ubiquinone oxidoreductase core subunit S8; plus strand). Cytogenetic location: 11q13.2.
Variant type: single nucleotide variant.
Coding change: c.371A>G on transcript NM_002496.4 (MANE Select); coding-DNA position 371, A replaced by G.
Protein change: p.Gln124Arg; replaces glutamine 124 with arginine.
Molecular consequence: missense variant.
Genome position (GRCh38, 1-based): chr11:68,033,282, A>G. VCF-style: chr11-68033282-A-G. GRCh37 (hg19) VCF-style: chr11-67800749-A-G.
Other names: short protein forms Q124R.
Identifiers: ClinVar variation 2109723 (VCV002109723.4), dbSNP rs771691461, ClinGen allele CA6146456.